The following is an entry in ClinVar:

NM_021939.4(FKBP10):c.1064-2A>G

Gene: FKBP10 (FKBP prolyl isomerase 10; plus strand). Cytogenetic location: 17q21.2.
Variant type: single nucleotide variant.
Coding change: c.1064-2A>G on transcript NM_021939.4 (MANE Select); the canonical splice acceptor site of the intron before coding-DNA position 1064, A replaced by G.
Molecular consequence: splice acceptor variant.
Genome position (GRCh38, 1-based): chr17:41,820,267, A>G. VCF-style: chr17-41820267-A-G. GRCh37 (hg19) VCF-style: chr17-39976519-A-G.
Identifiers: ClinVar variation 5005752 (VCV005005752.2).

ClinVar aggregate classification (germline): Likely pathogenic (1 of 4 stars; one submission).

Conditions:
Osteogenesis imperfecta type 11. Also called: OI, TYPE XI; Osteogenesis imperfecta, type XI. Identifiers: Orphanet 666, MedGen C3151218, MONDO:0012592, OMIM 610968.
Bruck syndrome 1 (BRKS1). Also called: ARTHROGRYPOSIS-LIKE DISORDER. Identifiers: Orphanet 1149, Orphanet 2771, MedGen C1850168, MONDO:0009806, OMIM 259450.

gnomAD v4.1: 2 of 1,614,030 alleles (0.00012%); highest among the groups gnomAD compares: Non-Finnish European, 0.00017%; no homozygotes.

Submission:

Juno Genomics, Hangzhou Juno Genomics, Inc
Classification: Likely pathogenic for Bruck syndrome 1; Osteogenesis imperfecta type 11. Review status: criteria provided, single submitter. Criteria: ACMG Guidelines, 2015. Collection method: clinical testing. Allele origin: germline.
Comment: Null variant in a gene where loss of function (LOF) is a known mechanism of disease.;Absent from controls (or at extremely low frequency if recessive) in Genome Aggregation Database.